The following is an entry in ClinVar:

NM_020433.5(JPH2):c.1400G>A (p.Arg467His)

Gene: JPH2 (junctophilin 2; minus strand). Cytogenetic location: 20q13.12.
Variant type: single nucleotide variant.
Coding change: c.1400G>A on transcript NM_020433.5 (MANE Select); coding-DNA position 1400, G replaced by A.
Protein change: p.Arg467His; replaces arginine 467 with histidine.
Molecular consequence: missense variant.
Genome position (GRCh38, 1-based): chr20:44,116,275, C>T on the plus strand (G>A on the coding strand, the complement: JPH2 is on the minus strand). VCF-style: chr20-44116275-C-T. GRCh37 (hg19) VCF-style: chr20-42744915-C-T.
Other names: short protein forms R467H.
Identifiers: ClinVar variation 2586439 (VCV002586439.3), dbSNP rs1465565186, ClinGen allele CA409100708.

ClinVar aggregate classification (germline): Uncertain significance. Review status: criteria provided, multiple submitters, no conflicts (2 of 4 stars). 2 submissions from 2 submitters: Uncertain significance (2). Last evaluated 2025-05-13.

Conditions:
Cardiovascular phenotype. Identifiers: MedGen CN230736.
Hypertrophic cardiomyopathy. Also called: HYPERTROPHIC MYOCARDIOPATHY. Identifiers: Orphanet 217569, MedGen C0007194, MeSH D002312, MONDO:0005045, HP:0001639.

Allele frequency attached by ClinVar (database versions not stated): gnomAD exomes below 0.00001; TOPMed below 0.00001; gnomAD 0.00001.
gnomAD v4.1: 4 of 1,529,812 alleles (0.00026%); highest among the groups gnomAD compares: South Asian, 0.0012%; no homozygotes.

Submissions (2):

Labcorp Genetics (formerly Invitae), Labcorp
Classification: Uncertain significance for Hypertrophic cardiomyopathy. Last evaluated: 2025-05-13. Review status: criteria provided, single submitter. Criteria: Invitae Variant Classification Sherloc (09022015). Collection method: clinical testing. Allele origin: germline.
Comment: This sequence change replaces arginine, which is basic and polar, with histidine, which is basic and polar, at codon 467 of the JPH2 protein (p.Arg467His). The frequency data for this variant in the population databases is considered unreliable, as metrics indicate poor data quality at this position in the gnomAD database. This variant has not been reported in the literature in individuals affected with JPH2-related conditions. ClinVar contains an entry for this variant (Variation ID: 2586439). An algorithm developed to predict the effect of missense changes on protein structure and function (PolyPhen-2) suggests that this variant is likely to be disruptive. In summary, the available evidence is currently insufficient to determine the role of this variant in disease. Therefore, it has been classified as a Variant of Uncertain Significance.

Ambry Genetics
Classification: Uncertain significance for Cardiovascular phenotype. Last evaluated: 2023-07-03. Review status: criteria provided, single submitter. Criteria: Ambry Variant Classification Scheme 2023. Collection method: clinical testing. Allele origin: germline.
Comment: The p.R467H variant (also known as c.1400G>A), located in coding exon 4 of the JPH2 gene, results from a G to A substitution at nucleotide position 1400. The arginine at codon 467 is replaced by histidine, an amino acid with highly similar properties. This amino acid position is conserved. In addition, this alteration is predicted to be tolerated by in silico analysis. Since supporting evidence is limited at this time, the clinical significance of this alteration remains unclear.